The following is an entry in ClinVar:

NM_001365276.2(TNXB):c.3605T>C (p.Val1202Ala)

Gene: TNXB (tenascin XB; minus strand). Cytogenetic location: 6p21.33.
Variant type: single nucleotide variant.
Coding change: c.3605T>C on transcript NM_001365276.2 (MANE Select); coding-DNA position 3605, T replaced by C.
Protein change: p.Val1202Ala; replaces valine 1202 with alanine.
Molecular consequence: missense variant.
Genome position (GRCh38, 1-based): chr6:32,082,167, A>G on the plus strand (T>C on the coding strand, the complement: TNXB is on the minus strand). VCF-style: chr6-32082167-A-G. GRCh37 (hg19) VCF-style: chr6-32049944-A-G.
Other names: c.4346T>C, p.Val1449Ala (NM_001428335.1); c.3605T>C, p.Val1202Ala (NM_019105.8); short protein forms V1202A, V1449A.
Identifiers: ClinVar variation 4188694 (VCV004188694.1).

ClinVar aggregate classification (germline): Uncertain significance (1 of 4 stars; one submission).

Conditions:
Cardiovascular phenotype. Identifiers: MedGen CN230736.

Submission:

Ambry Genetics
Classification: Uncertain significance for Cardiovascular phenotype. Last evaluated: 2025-07-13. Review status: criteria provided, single submitter. Criteria: Ambry Variant Classification Scheme 2023. Collection method: clinical testing. Allele origin: germline.
Comment: The p.V1202A variant (also known as c.3605T>C), located in coding exon 8 of the TNXB gene, results from a T to C substitution at nucleotide position 3605. The valine at codon 1202 is replaced by alanine, an amino acid with similar properties. This amino acid position is conserved. In addition, this alteration is predicted to be tolerated by in silico analysis. Based on the available evidence, the clinical significance of this variant remains unclear.